The following is an entry in ClinVar:

NM_203446.3(SYNJ1):c.2668G>C (p.Gly890Arg)

Gene: SYNJ1 (synaptojanin 1; minus strand). Cytogenetic location: 21q22.11.
Variant type: single nucleotide variant.
Coding change: c.2668G>C on transcript NM_203446.3 (MANE Select); coding-DNA position 2668, G replaced by C.
Protein change: p.Gly890Arg; replaces glycine 890 with arginine.
Molecular consequence: missense variant.
Genome position (GRCh38, 1-based): chr21:32,656,814, C>G on the plus strand (G>C on the coding strand, the complement: SYNJ1 is on the minus strand). VCF-style: chr21-32656814-C-G. GRCh37 (hg19) VCF-style: chr21-34029124-C-G.
Other names: c.2668G>C, p.Gly890Arg (NM_001160302.2); c.2653G>C, p.Gly885Arg (NM_001160306.2); c.2785G>C, p.Gly929Arg (NM_003895.4); short protein forms G885R, G890R, G929R.
Identifiers: ClinVar variation 864653 (VCV000864653.10), dbSNP rs1187688126, ClinGen allele CA410073764.

ClinVar aggregate classification (germline): Uncertain significance (1 of 4 stars; one submission).

Conditions:
Developmental and epileptic encephalopathy, 53. Also called: Epileptic encephalopathy, early infantile, 53. Identifiers: MedGen C4479313, MONDO:0033362, OMIM 617389.
Early-onset Parkinson disease 20. Also called: PARKINSON DISEASE 20, AUTOSOMAL RECESSIVE EARLY-ONSET. Identifiers: Orphanet 391411, MedGen C3809824, MONDO:0014233, OMIM 615530.

Submission:

Labcorp Genetics (formerly Invitae), Labcorp
Classification: Uncertain significance for Developmental and epileptic encephalopathy, 53; Early-onset Parkinson disease 20. Last evaluated: 2019-02-11. Review status: criteria provided, single submitter. Criteria: Invitae Variant Classification Sherloc (09022015). Collection method: clinical testing. Allele origin: germline.
Comment: In summary, the available evidence is currently insufficient to determine the role of this variant in disease. Therefore, it has been classified as a Variant of Uncertain Significance. Algorithms developed to predict the effect of missense changes on protein structure and function are either unavailable or do not agree on the potential impact of this missense change (SIFT: "Deleterious"; PolyPhen-2: "Probably Damaging"; Align-GVGD: "Class C15"). This variant has not been reported in the literature in individuals with SYNJ1-related conditions. This variant is not present in population databases (ExAC no frequency). This sequence change replaces glycine with arginine at codon 929 of the SYNJ1 protein (p.Gly929Arg). The glycine residue is highly conserved and there is a moderate physicochemical difference between glycine and arginine.